The following is an entry in ClinVar:

NM_006766.5(KAT6A):c.5966C>T (p.Ala1989Val)

Gene: KAT6A (lysine acetyltransferase 6A; minus strand). Cytogenetic location: 8p11.21.
Variant type: single nucleotide variant.
Coding change: c.5966C>T on transcript NM_006766.5 (MANE Select); coding-DNA position 5966, C replaced by T.
Protein change: p.Ala1989Val; replaces alanine 1989 with valine.
Molecular consequence: missense variant.
Genome position (GRCh38, 1-based): chr8:41,932,254, G>A on the plus strand (C>T on the coding strand, the complement: KAT6A is on the minus strand). VCF-style: chr8-41932254-G-A. GRCh37 (hg19) VCF-style: chr8-41789772-G-A.
Other names: short protein forms A1989V.
Identifiers: ClinVar variation 3666701 (VCV003666701.2).

ClinVar aggregate classification (germline): Uncertain significance (1 of 4 stars; one submission).

Submission:

Labcorp Genetics (formerly Invitae), Labcorp
Classification: Uncertain significance. Last evaluated: 2024-09-09. Review status: criteria provided, single submitter. Criteria: Invitae Variant Classification Sherloc (09022015). Collection method: clinical testing. Allele origin: germline.
Comment: This sequence change replaces alanine, which is neutral and non-polar, with valine, which is neutral and non-polar, at codon 1989 of the KAT6A protein (p.Ala1989Val). This variant is not present in population databases (gnomAD no frequency). This variant has not been reported in the literature in individuals affected with KAT6A-related conditions. Experimental studies and prediction algorithms are not available or were not evaluated, and the functional significance of this variant is currently unknown. In summary, the available evidence is currently insufficient to determine the role of this variant in disease. Therefore, it has been classified as a Variant of Uncertain Significance.